The following is an entry in ClinVar:

NM_000059.4(BRCA2):c.3706A>G (p.Lys1236Glu)

Gene: BRCA2 (BRCA2 DNA repair associated; plus strand). Cytogenetic location: 13q13.1.
Variant type: single nucleotide variant.
Coding change: c.3706A>G on transcript NM_000059.4 (MANE Select); coding-DNA position 3706, A replaced by G.
Protein change: p.Lys1236Glu; replaces lysine 1236 with glutamic acid.
Molecular consequence: missense variant.
Genome position (GRCh38, 1-based): chr13:32,338,061, A>G. VCF-style: chr13-32338061-A-G. GRCh37 (hg19) VCF-style: chr13-32912198-A-G.
Other names: short protein forms K1236E.
Identifiers: ClinVar variation 485444 (VCV000485444.18), dbSNP rs1555283367, ClinGen allele CA387778057.
Genomic context (GRCh38, chr13:32,338,061, plus strand): 5'-TTTAGGGGCTTTTATTCTGCTCATGGCACAAAACTGAATGTTTCTACTGAAGCTCTGCAA[A>G]AAGCTGTGAAACTGTTTAGTGATATTGAGAATATTAGTGAGGAAACTTCTGCAGAGGTAC-3'
Protein context (NP_000050.3, residues 1226-1246): KLNVSTEALQ[Lys1236Glu]AVKLFSDIEN

ClinVar aggregate classification (germline): Conflicting classifications of pathogenicity. Review status: criteria provided, conflicting classifications (1 of 4 stars). 4 submissions from 4 submitters: Uncertain significance (3); Likely benign (1). Last evaluated 2025-10-27.

Conditions:
Hereditary cancer-predisposing syndrome. Also called: Neoplastic Syndromes, Hereditary; Tumor predisposition; Hereditary Cancer Syndrome; Hereditary neoplastic syndrome. Identifiers: Orphanet 140162, MedGen C0027672, MeSH D009386, MONDO:0015356.
Hereditary breast ovarian cancer syndrome. Also called: Hereditary breast and ovarian cancer syndrome; Hereditary breast and ovarian cancer; Hereditary breast and ovarian cancer syndrome (HBOC); Breast and ovarian cancer; Hereditary breast and/or ovarian cancer syndrome; BRCA1- and BRCA2-Associated Hereditary Breast and Ovarian Cancer. Identifiers: Orphanet 145, MedGen C0677776, MeSH D061325, MONDO:0003582. Disease mechanism: loss of function.

Submissions (4):

Labcorp Genetics (formerly Invitae), Labcorp
Classification: Uncertain significance for Hereditary breast ovarian cancer syndrome. Last evaluated: 2025-10-27. Review status: criteria provided, single submitter. Criteria: Invitae Variant Classification Sherloc (09022015). Collection method: clinical testing. Allele origin: germline.
Comment: This sequence change replaces lysine, which is basic and polar, with glutamic acid, which is acidic and polar, at codon 1236 of the BRCA2 protein (p.Lys1236Glu). This variant is not present in population databases (gnomAD no frequency). This variant has not been reported in the literature in individuals affected with BRCA2-related conditions. ClinVar contains an entry for this variant (Variation ID: 485444). Invitae Evidence Modeling of protein sequence and biophysical properties (such as structural, functional, and spatial information, amino acid conservation, physicochemical variation, residue mobility, and thermodynamic stability) indicates that this missense variant is not expected to disrupt BRCA2 protein function with a negative predictive value of 95%. In summary, the available evidence is currently insufficient to determine the role of this variant in disease. Therefore, it has been classified as a Variant of Uncertain Significance.

University of Washington Department of Laboratory Medicine, University of Washington
Classification: Likely benign for Hereditary cancer-predisposing syndrome. Last evaluated: 2023-03-23. Review status: criteria provided, single submitter. Criteria: Dines et al. (Genet Med. 2020). Collection method: curation. Allele origin: germline.
Comment: Missense variant in a coldspot region where missense variants are very unlikely to be pathogenic (PMID:31911673).

BRCA2 exon 11 coldspot. Reclassification based on statistical prior probability.

Ambry Genetics
Classification: Uncertain significance for Hereditary cancer-predisposing syndrome. Last evaluated: 2023-02-03. Review status: criteria provided, single submitter. Criteria: Ambry Variant Classification Scheme 2023. Collection method: clinical testing. Allele origin: germline.
Comment: The p.K1236E variant (also known as c.3706A>G), located in coding exon 10 of the BRCA2 gene, results from an A to G substitution at nucleotide position 3706. The lysine at codon 1236 is replaced by glutamic acid, an amino acid with similar properties. This amino acid position is not well conserved in available vertebrate species. In addition, the in silico prediction for this alteration is inconclusive. Since supporting evidence is limited at this time, the clinical significance of this alteration remains unclear.

Color Diagnostics, LLC DBA Color Health
Classification: Uncertain significance for Hereditary cancer-predisposing syndrome. Last evaluated: 2019-08-15. Review status: criteria provided, single submitter. Criteria: ACMG Guidelines, 2015. Collection method: clinical testing. Allele origin: germline.
Comment: This missense variant replaces lysine with glutamic acid at codon 1236 of the BRCA2 protein. Computational prediction tools and conservation analyses suggest that this variant may have deleterious impact on the protein function. Computational splicing tools suggest that this variant may not impact RNA splicing. To our knowledge, functional assays have not been performed for this variant nor has this variant been reported in individuals affected with hereditary cancer in the literature. This variant has not been identified in the general population by the Genome Aggregation Database (gnomAD). Available evidence is insufficient to determine the role of this variant in disease conclusively. Therefore, this variant is classified as a Variant of Uncertain Significance.